The following is an entry in ClinVar:

ClinVar aggregate classification (germline): Uncertain significance. Review status: criteria provided, multiple submitters, no conflicts (2 of 4 stars). 2 submissions from 2 submitters: Uncertain significance (2). Last evaluated 2024-12-14.

Conditions:
Smith-Lemli-Opitz syndrome (SLOS). Also called: LETHAL ACRODYSGENITAL SYNDROME; POLYDACTYLY, SEX REVERSAL, RENAL HYPOPLASIA, AND UNILOBAR LUNG; RSH SYNDROME; RUTLEDGE LETHAL MULTIPLE CONGENITAL ANOMALY SYNDROME; 7-Dehydrocholesterol reductase deficiency. Identifiers: Orphanet 818, MedGen C0175694, MONDO:0010035, OMIM 270400.

Allele frequency attached by ClinVar (database versions not stated): gnomAD 0.00001; TOPMed 0.00001; gnomAD exomes 0.00003; ExAC 0.00004.

Submissions (2):

Women's Health and Genetics/Laboratory Corporation of America, LabCorp
Classification: Uncertain significance. Last evaluated: 2024-12-14. Review status: criteria provided, single submitter. Criteria: LabCorp Variant Classification Summary - May 2015. Collection method: clinical testing. Allele origin: germline.

Labcorp Genetics (formerly Invitae), Labcorp
Classification: Uncertain significance for Smith-Lemli-Opitz syndrome. Last evaluated: 2024-10-30. Review status: criteria provided, single submitter. Criteria: Invitae Variant Classification Sherloc (09022015). Collection method: clinical testing. Allele origin: germline.
Comment: This sequence change falls in intron 6 of the DHCR7 gene. It does not directly change the encoded amino acid sequence of the DHCR7 protein. It affects a nucleotide within the consensus splice site. This variant is present in population databases (rs748543465, gnomAD 0.006%). This variant has not been reported in the literature in individuals affected with DHCR7-related conditions. ClinVar contains an entry for this variant (Variation ID: 2201612). Variants that disrupt the consensus splice site are a relatively common cause of aberrant splicing (PMID: 17576681, 9536098). Algorithms developed to predict the effect of sequence changes on RNA splicing suggest that this variant may disrupt the consensus splice site. In summary, the available evidence is currently insufficient to determine the role of this variant in disease. Therefore, it has been classified as a Variant of Uncertain Significance.

Literature cited by the submitters: PubMed 17576681 (cited by Labcorp Genetics (formerly Invitae), Labcorp); PubMed 9536098 (cited by Labcorp Genetics (formerly Invitae), Labcorp).

NM_001360.3(DHCR7):c.626+3A>G

Gene: DHCR7 (7-dehydrocholesterol reductase; minus strand). Cytogenetic location: 11q13.4.
Variant type: single nucleotide variant.
Coding change: c.626+3A>G on transcript NM_001360.3 (MANE Select); 3 bases into the intron after coding-DNA position 626, A replaced by G.
Molecular consequence: intron variant.
Genome position (GRCh38, 1-based): chr11:71,441,224, T>C on the plus strand (A>G on the coding strand, the complement: DHCR7 is on the minus strand). VCF-style: chr11-71441224-T-C. GRCh37 (hg19) VCF-style: chr11-71152270-T-C.
Other names: c.626+3A>G (NM_001163817.2).
Identifiers: ClinVar variation 2201612 (VCV002201612.4), dbSNP rs748543465, ClinGen allele CA6162522.
Genomic context (GRCh38, chr11:71,441,224, plus strand): 5'-AGAAAGGCCAGGGGTGAAGTTTGCACTTTCTACATCAGGCTGGACCCGCTGCTAAGAACA[T>C]ACCAGTCTCTGGCGCTGGTGGGGAAGAAGTAGCCCTTGACCATGGCGAAGGTGGAGACGG-3'